The following is an entry in ClinVar:

NM_000465.4(BARD1):c.775G>T (p.Asp259Tyr)

Gene: BARD1 (BRCA1 associated RING domain 1; minus strand). Cytogenetic location: 2q35.
Variant type: single nucleotide variant.
Coding change: c.775G>T on transcript NM_000465.4 (MANE Select); coding-DNA position 775, G replaced by T.
Protein change: p.Asp259Tyr; replaces aspartic acid 259 with tyrosine.
Molecular consequence: missense variant. On other transcripts: non-coding transcript variant (2), intron variant (3).
Genome position (GRCh38, 1-based): chr2:214,781,099, C>A on the plus strand (G>T on the coding strand, the complement: BARD1 is on the minus strand). VCF-style: chr2-214781099-C-A. GRCh37 (hg19) VCF-style: chr2-215645823-C-A.
Other names: c.718G>T, p.Asp240Tyr (NM_001282543.2); c.158+28313G>T (NM_001282548.2); c.215+15962G>T (NM_001282545.2); c.364+11198G>T (NM_001282549.2); short protein forms D240Y, D259Y.
Identifiers: ClinVar variation 1760493 (VCV001760493.2), dbSNP rs1195999928, ClinGen allele CA350455874.
Genomic context (GRCh38, chr2:214,781,099, plus strand): 5'-AGACTTCAGTTAAACTTCCAAAACATTCAGATTCTGTCAAGGAGCCACTTGCTAGTAAGT[C>A]TATTTCACCATTTATCTGAGGACTGGAGATAACAGATGGTTGGCTACAGAAGGATACCAG-3'
Protein context (NP_000456.2, residues 249-269): ISSPQINGEI[Asp259Tyr]LLASGSLTES

ClinVar aggregate classification (germline): Uncertain significance (1 of 4 stars; one submission).

Conditions:
Hereditary cancer-predisposing syndrome. Also called: Neoplastic Syndromes, Hereditary; Tumor predisposition; Hereditary Cancer Syndrome; Hereditary neoplastic syndrome. Identifiers: Orphanet 140162, MedGen C0027672, MeSH D009386, MONDO:0015356.

Submission:

Ambry Genetics
Classification: Uncertain significance for Hereditary cancer-predisposing syndrome. Last evaluated: 2021-10-08. Review status: criteria provided, single submitter. Criteria: Ambry Variant Classification Scheme 2023. Collection method: clinical testing. Allele origin: germline.
Comment: The p.D259Y variant (also known as c.775G>T), located in coding exon 4 of the BARD1 gene, results from a G to T substitution at nucleotide position 775. The aspartic acid at codon 259 is replaced by tyrosine, an amino acid with highly dissimilar properties. This amino acid position is conserved. In addition, this alteration is predicted to be deleterious by in silico analysis. Since supporting evidence is limited at this time, the clinical significance of this alteration remains unclear.